The following is an entry in ClinVar:

NM_014795.4(ZEB2):c.2735C>A (p.Pro912Gln)

Gene: ZEB2 (zinc finger E-box binding homeobox 2; minus strand). Cytogenetic location: 2q22.3.
Variant type: single nucleotide variant.
Coding change: c.2735C>A on transcript NM_014795.4 (MANE Select); coding-DNA position 2735, C replaced by A.
Protein change: p.Pro912Gln; replaces proline 912 with glutamine.
Molecular consequence: missense variant.
Genome position (GRCh38, 1-based): chr2:144,398,452, G>T on the plus strand (C>A on the coding strand, the complement: ZEB2 is on the minus strand). VCF-style: chr2-144398452-G-T. GRCh37 (hg19) VCF-style: chr2-145156019-G-T.
Other names: c.2663C>A, p.Pro888Gln (NM_001171653.2); short protein forms P912Q, P888Q.
Identifiers: ClinVar variation 588328 (VCV000588328.8), dbSNP rs1560605911, ClinGen allele CA348707174.

ClinVar aggregate classification (germline): Uncertain significance. Review status: criteria provided, multiple submitters, no conflicts (2 of 4 stars). 2 submissions from 2 submitters: Uncertain significance (2). Last evaluated 2024-01-12.

Conditions:
Inborn genetic diseases. Identifiers: MedGen C0950123, MeSH D030342.
Mowat-Wilson syndrome (MOWS). Also called: Classic Mowat-Wilson Syndrome. Identifiers: Orphanet 2152, MedGen C1856113, MONDO:0009341, OMIM 235730.

Submissions (2):

Labcorp Genetics (formerly Invitae), Labcorp
Classification: Uncertain significance for Mowat-Wilson syndrome. Last evaluated: 2024-01-12. Review status: criteria provided, single submitter. Criteria: Invitae Variant Classification Sherloc (09022015). Collection method: clinical testing. Allele origin: germline.
Comment: This sequence change replaces proline, which is neutral and non-polar, with glutamine, which is neutral and polar, at codon 912 of the ZEB2 protein (p.Pro912Gln). This variant is not present in population databases (gnomAD no frequency). This variant has not been reported in the literature in individuals affected with ZEB2-related conditions. ClinVar contains an entry for this variant (Variation ID: 588328). Advanced modeling of protein sequence and biophysical properties (such as structural, functional, and spatial information, amino acid conservation, physicochemical variation, residue mobility, and thermodynamic stability) performed at Invitae indicates that this missense variant is not expected to disrupt ZEB2 protein function with a negative predictive value of 80%. In summary, the available evidence is currently insufficient to determine the role of this variant in disease. Therefore, it has been classified as a Variant of Uncertain Significance.

Ambry Genetics
Classification: Uncertain significance for Inborn genetic diseases. Last evaluated: 2016-10-10. Review status: criteria provided, single submitter. Criteria: Ambry Variant Classification Scheme 2023. Collection method: clinical testing. Allele origin: germline.
Comment: The p.P912Q variant (also known as c.2735C>A), located in coding exon 7 of the ZEB2 gene, results from a C to A substitution at nucleotide position 2735. The proline at codon 912 is replaced by glutamine, an amino acid with similar properties. This amino acid position is highly conserved in available vertebrate species. In addition, the in silico prediction for this alteration is inconclusive. Since supporting evidence is limited at this time, the clinical significance of this alteration remains unclear.